The following is an entry in ClinVar:

NM_004006.3(DMD):c.2852T>C (p.Ile951Thr)

Gene: DMD (dystrophin; minus strand). Cytogenetic location: Xp21.1.
Variant type: single nucleotide variant.
Coding change: c.2852T>C on transcript NM_004006.3 (MANE Select); coding-DNA position 2852, T replaced by C.
Protein change: p.Ile951Thr; replaces isoleucine 951 with threonine.
Molecular consequence: missense variant.
Genome position (GRCh38, 1-based): chrX:32,472,261, A>G on the plus strand (T>C on the coding strand, the complement: DMD is on the minus strand). VCF-style: chrX-32472261-A-G. GRCh37 (hg19) VCF-style: chrX-32490378-A-G.
Other names: c.2828T>C, p.Ile943Thr (NM_000109.4); c.2840T>C, p.Ile947Thr (NM_004009.3); c.2483T>C, p.Ile828Thr (NM_004010.3); short protein forms I828T, I943T, I947T, I951T.
Identifiers: ClinVar variation 4012242 (VCV004012242.1).

ClinVar aggregate classification (germline): Uncertain significance (1 of 4 stars; one submission).

Conditions:
Cardiovascular phenotype. Identifiers: MedGen CN230736.

Submission:

Ambry Genetics
Classification: Uncertain significance for Cardiovascular phenotype. Last evaluated: 2025-04-14. Review status: criteria provided, single submitter. Criteria: Ambry Variant Classification Scheme 2023. Collection method: clinical testing. Allele origin: germline.
Comment: The p.I951T variant (also known as c.2852T>C), located in coding exon 22 of the DMD gene, results from a T to C substitution at nucleotide position 2852. The isoleucine at codon 951 is replaced by threonine, an amino acid with similar properties. This amino acid position is not well conserved in available vertebrate species. In addition, this alteration is predicted to be tolerated by in silico analysis. Based on the available evidence, the clinical significance of this variant remains unclear.